The following is an entry in ClinVar:

NM_001012720.2(RGR):c.475G>A (p.Gly159Arg)

Gene: RGR (retinal G protein coupled receptor; plus strand). Cytogenetic location: 10q23.1.
Variant type: single nucleotide variant.
Coding change: c.475G>A on transcript NM_001012720.2 (MANE Select); coding-DNA position 475, G replaced by A.
Protein change: p.Gly159Arg; replaces glycine 159 with arginine.
Molecular consequence: missense variant.
Genome position (GRCh38, 1-based): chr10:84,252,973, G>A. VCF-style: chr10-84252973-G-A. GRCh37 (hg19) VCF-style: chr10-86012729-G-A.
Other names: c.475G>A, p.Gly159Arg (NM_001012722.2); c.487G>A, p.Gly163Arg (NM_002921.4); short protein forms G159R, G163R.
Identifiers: ClinVar variation 1403218 (VCV001403218.5), dbSNP rs975816717, ClinGen allele CA210402021.

ClinVar aggregate classification (germline): Uncertain significance (1 of 4 stars; one submission).

Allele frequency attached by ClinVar (database versions not stated): TOPMed below 0.00001; gnomAD 0.00001.

Submission:

Labcorp Genetics (formerly Invitae), Labcorp
Classification: Uncertain significance. Last evaluated: 2024-11-18. Review status: criteria provided, single submitter. Criteria: Invitae Variant Classification Sherloc (09022015). Collection method: clinical testing. Allele origin: germline.
Comment: This sequence change replaces glycine, which is neutral and non-polar, with arginine, which is basic and polar, at codon 159 of the RGR protein (p.Gly159Arg). This variant is not present in population databases (gnomAD no frequency). This variant has not been reported in the literature in individuals affected with RGR-related conditions. ClinVar contains an entry for this variant (Variation ID: 1403218). An algorithm developed to predict the effect of missense changes on protein structure and function outputs the following: PolyPhen-2: "Not Available". The arginine amino acid residue is found in multiple mammalian species, which suggests that this missense change does not adversely affect protein function. In summary, the available evidence is currently insufficient to determine the role of this variant in disease. Therefore, it has been classified as a Variant of Uncertain Significance.